The following is an entry in ClinVar:

NM_001267550.2(TTN):c.74844G>A (p.Lys24948=)

Genes: TTN (titin; minus strand), TTN-AS1 (TTN antisense RNA 1; plus strand). Cytogenetic location: 2q31.2.
Variant type: single nucleotide variant.
Coding change: c.74844G>A on transcript NM_001267550.2 (MANE Select); coding-DNA position 74844, G replaced by A.
Protein change: p.Lys24948=; no amino-acid change (lysine 24948 retained).
Molecular consequence: synonymous variant.
Genome position (GRCh38, 1-based): chr2:178,571,288, C>T on the plus strand (G>A on the coding strand, the complement: TTN is on the minus strand). VCF-style: chr2-178571288-C-T. GRCh37 (hg19) VCF-style: chr2-179436015-C-T.
Other names: c.69921G>A, p.Lys23307= (NM_001256850.1); c.47649G>A, p.Lys15883= (NM_003319.4); c.48024G>A, p.Lys16008= (NM_133432.3); c.48225G>A, p.Lys16075= (NM_133437.4); c.67140G>A, p.Lys22380= (NM_133378.4).
Identifiers: ClinVar variation 228140 (VCV000228140.23), dbSNP rs371884545, ClinGen allele CA1990138.

ClinVar aggregate classification (germline): Conflicting classifications of pathogenicity. Review status: criteria provided, conflicting classifications (1 of 4 stars). 6 submissions from 6 submitters: Uncertain significance (1); Likely benign (5). Last evaluated 2026-01-24.

Conditions:
TTN-related disorder. Also called: TTN-related disorders; TTN-related condition; TTN-related disease.
Cardiovascular phenotype. Identifiers: MedGen CN230736.
Dilated cardiomyopathy 1G (CMD1G). Identifiers: Orphanet 154, MedGen C1858763, MONDO:0011400, OMIM 604145.
Autosomal recessive limb-girdle muscular dystrophy type 2J (LGMDR10). Also called: Limb-girdle muscular dystrophy, type 2J; MUSCULAR DYSTROPHY, LIMB-GIRDLE, AUTOSOMAL RECESSIVE 10. Identifiers: Orphanet 140922, MedGen C1837342, MONDO:0012127, OMIM 608807.

Allele frequency attached by ClinVar (database versions not stated): gnomAD exomes 0.00002 and 0.00005; ExAC 0.00007; gnomAD 0.00023 and 0.00026; ESP Exome Variant Server 0.00025; TOPMed 0.00037.
gnomAD v4.1: 67 of 1,613,272 alleles (0.0042%); highest among the groups gnomAD compares: African/African-American, 0.077%; no homozygotes.

Submissions (6):

Labcorp Genetics (formerly Invitae), Labcorp
Classification: Likely benign for Dilated cardiomyopathy 1G; Autosomal recessive limb-girdle muscular dystrophy type 2J. Last evaluated: 2026-01-24. Review status: criteria provided, single submitter. Criteria: Invitae Variant Classification Sherloc (09022015). Collection method: clinical testing. Allele origin: germline.

PreventionGenetics, part of Exact Sciences
Classification: Likely benign for TTN-related condition. Last evaluated: 2025-10-10. Review status: criteria provided, single submitter. Criteria: ACMG Guidelines, 2015. Collection method: clinical testing. Allele origin: germline.
Comment: This variant is classified as likely benign based on ACMG/AMP sequence variant interpretation guidelines (Richards et al. 2015 PMID: 25741868, with internal and published modifications).

Blueprint Genetics
Classification: Likely benign. Last evaluated: 2023-11-28. Review status: criteria provided, single submitter. Criteria: ACMG Guidelines, 2015. Collection method: clinical testing. Allele origin: germline.

Ambry Genetics
Classification: Likely benign for Cardiovascular phenotype. Last evaluated: 2020-02-12. Review status: criteria provided, single submitter. Criteria: Ambry Variant Classification Scheme 2023. Collection method: clinical testing. Allele origin: germline.

Eurofins Ntd Llc (ga)
Classification: Uncertain significance. Last evaluated: 2017-04-06. Review status: criteria provided, single submitter. Criteria: EGL Classification Definitions 2015. Collection method: clinical testing. Allele origin: germline. Observed: 1 variant allele, 1 heterozygote.

Laboratory for Molecular Medicine, Mass General Brigham Personalized Medicine
Classification: Likely benign. Last evaluated: 2012-03-19. Review status: criteria provided, single submitter. Criteria: LMM Criteria. Collection method: clinical testing. Allele origin: germline. Observed: 2 variant alleles.
Comment: p.Lys22380Lys in exon 275 of TTN: This variant is not expected to have clinical significance because it does not alter an amino acid residue and is not located within the splice consensus sequence. It has been identified in 0.07% (16/24004) of African chromosomes by the Genome Aggregation Database (gnomAD, d.; dbSNP rs371884545).